The following is an entry in ClinVar:

ClinVar aggregate classification (germline): Uncertain significance (1 of 4 stars; one submission).

Conditions:
Osteogenesis imperfecta type 7 (OI7). Also called: OSTEOGENESIS IMPERFECTA, TYPE IIB; Osteogenesis imperfecta type 2B; OI type 2B; Osteogenesis imperfecta, perinatal lethal autosomal recessive; OI type IIB; OI type 7. Identifiers: MedGen C1853162, MONDO:0012536, OMIM 610682.

Allele frequency attached by ClinVar (database versions not stated): TOPMed 0.00002.
gnomAD v4.1: 6 of 1,591,884 alleles (0.00038%); highest among the groups gnomAD compares: Non-Finnish European, 0.00051%; no homozygotes.

Submission:

Labcorp Genetics (formerly Invitae), Labcorp
Classification: Uncertain significance for Osteogenesis imperfecta type 7. Last evaluated: 2021-08-30. Review status: criteria provided, single submitter. Criteria: Invitae Variant Classification Sherloc (09022015). Collection method: clinical testing. Allele origin: germline.
Comment: This sequence change replaces arginine with proline at codon 49 of the CRTAP protein (p.Arg49Pro). The arginine residue is moderately conserved and there is a moderate physicochemical difference between arginine and proline. This variant is not present in population databases (ExAC no frequency). This variant has not been reported in the literature in individuals affected with CRTAP-related conditions. Algorithms developed to predict the effect of missense changes on protein structure and function are either unavailable or do not agree on the potential impact of this missense change (SIFT: "Deleterious"; PolyPhen-2: "Benign"; Align-GVGD: "Class C0"). In summary, the available evidence is currently insufficient to determine the role of this variant in disease. Therefore, it has been classified as a Variant of Uncertain Significance.

NM_006371.5(CRTAP):c.146G>C (p.Arg49Pro)

Gene: CRTAP (cartilage associated protein; plus strand). Cytogenetic location: 3p22.3.
Variant type: single nucleotide variant.
Coding change: c.146G>C on transcript NM_006371.5 (MANE Select); coding-DNA position 146, G replaced by C.
Protein change: p.Arg49Pro; replaces arginine 49 with proline.
Molecular consequence: missense variant.
Genome position (GRCh38, 1-based): chr3:33,114,223, G>C. VCF-style: chr3-33114223-G-C. GRCh37 (hg19) VCF-style: chr3-33155715-G-C.
Other names: c.146G>C, p.Arg49Pro (NM_001393363.1, NM_001393364.1, NM_001393365.1); short protein forms R49P.
Identifiers: ClinVar variation 648321 (VCV000648321.3), dbSNP rs1376339738, ClinGen allele CA352008244.